The following is an entry in ClinVar:

NM_194454.3(KRIT1):c.1062dup (p.Leu355fs)

Gene: KRIT1 (KRIT1 ankyrin repeat containing; minus strand). Cytogenetic location: 7q21.2.
Variant type: Duplication.
Coding change: c.1062dup on transcript NM_194454.3 (MANE Select); coding-DNA position 1062, one base duplicated (A; older notation c.1062dupA).
Protein change: p.Leu355fs; shifts the reading frame from leucine 355.
Molecular consequence: frameshift variant.
Genome position (GRCh38, 1-based): chr7:92,226,610, T duplicated on the plus strand (A on the coding strand, the reverse complement: KRIT1 is on the minus strand); the first of 2 consecutive T bases (chr7:92,226,610-92,226,611); duplicating either gives the same sequence. VCF-style (leftmost placement, unchanged base first): chr7-92226609-G-GT. GRCh37 (hg19) VCF-style: chr7-91855923-G-GT.
Other names: c.918dup, p.Leu307fs (NM_001013406.2, NM_001350669.1, NM_001350670.1); c.348dup, p.Leu117fs (NM_001350671.1); c.1062dup, p.Leu355fs (NM_001350672.1, NM_001350673.1, NM_001350674.1 and 26 more transcripts); c.1062dupA (NM_194456.1); short protein forms L307fs, L355fs, L117fs.
Identifiers: ClinVar variation 4996391 (VCV004996391.1).

ClinVar aggregate classification (germline): Likely pathogenic (1 of 4 stars; one submission).

Conditions:
KRIT1-related disorder. Also called: KRIT1-related condition; KRIT1-related disorders.

Submission:

PreventionGenetics, part of Exact Sciences
Classification: Likely pathogenic for KRIT1-related condition. Last evaluated: 2026-06-16. Review status: criteria provided, single submitter. Criteria: ACMG Guidelines, 2015. Collection method: clinical testing. Allele origin: germline.
Comment: The KRIT1 c.1062dupA variant is predicted to result in a frameshift and premature protein termination (p.Leu355Thrfs*2). To our knowledge, this variant has not been reported in the literature or in a large population database (gnomAD), indicating this variant is rare. Frameshift variants in KRIT1 are expected to be pathogenic. This variant is interpreted as likely pathogenic.